The following is an entry in ClinVar:

NM_001903.5(CTNNA1):c.574G>A (p.Ala192Thr)

Gene: CTNNA1 (catenin alpha 1; plus strand). Cytogenetic location: 5q31.2.
Variant type: single nucleotide variant.
Coding change: c.574G>A on transcript NM_001903.5 (MANE Select); coding-DNA position 574, G replaced by A.
Protein change: p.Ala192Thr; replaces alanine 192 with threonine.
Molecular consequence: missense variant.
Genome position (GRCh38, 1-based): chr5:138,812,288, G>A. VCF-style: chr5-138812288-G-A. GRCh37 (hg19) VCF-style: chr5-138147977-G-A.
Other names: c.574G>A, p.Ala192Thr (NM_001290307.3, NM_001323982.2, NM_001323983.1 and 3 more transcripts); c.265G>A, p.Ala89Thr (NM_001290309.3); c.205G>A, p.Ala69Thr (NM_001290310.3); short protein forms A192T, A89T, A69T.
Identifiers: ClinVar variation 2092446 (VCV002092446.4), dbSNP rs2532349479, ClinGen allele CA361125630.
Genomic context (GRCh38, chr5:138,812,288, plus strand): 5'-GACTTAGGAATCCAGTATAAAGCCCTAAAACCTGAAGTGGATAAGCTGAACATTATGGCA[G>A]CCAAAAGACAACAGGTACAGTCATGATTTGGGGATATATTAAAGTTGTTCATTTTACTAT-3'
Protein context (NP_001894.2, residues 182-202): PEVDKLNIMA[Ala192Thr]KRQQELKDVG

ClinVar aggregate classification (germline): Uncertain significance (1 of 4 stars; one submission).

Submission:

Labcorp Genetics (formerly Invitae), Labcorp
Classification: Uncertain significance. Last evaluated: 2025-09-29. Review status: criteria provided, single submitter. Criteria: Invitae Variant Classification Sherloc (09022015). Collection method: clinical testing. Allele origin: germline.
Comment: This sequence change replaces alanine, which is neutral and non-polar, with threonine, which is neutral and polar, at codon 192 of the CTNNA1 protein (p.Ala192Thr). This variant is not present in population databases (gnomAD no frequency). This variant has not been reported in the literature in individuals affected with CTNNA1-related conditions. ClinVar contains an entry for this variant (Variation ID: 2092446). Invitae Evidence Modeling of protein sequence and biophysical properties (such as structural, functional, and spatial information, amino acid conservation, physicochemical variation, residue mobility, and thermodynamic stability) indicates that this missense variant is not expected to disrupt CTNNA1 protein function with a negative predictive value of 80%. In summary, the available evidence is currently insufficient to determine the role of this variant in disease. Therefore, it has been classified as a Variant of Uncertain Significance.